The following is an entry in ClinVar:

ClinVar aggregate classification (germline): Uncertain significance (1 of 4 stars; one submission).

Conditions:
NIK deficiency. Also called: Primary immunodeficiency with multifaceted aberrant lymphoid immunity. Identifiers: Orphanet 447731, MedGen C5680065, MONDO:0018642.

Submission:

Labcorp Genetics (formerly Invitae), Labcorp
Classification: Uncertain significance for NIK deficiency. Last evaluated: 2019-08-21. Review status: criteria provided, single submitter. Criteria: Invitae Variant Classification Sherloc (09022015). Collection method: clinical testing. Allele origin: germline.
Comment: In summary, the available evidence is currently insufficient to determine the role of this variant in disease. Therefore, it has been classified as a Variant of Uncertain Significance. Algorithms developed to predict the effect of missense changes on protein structure and function are either unavailable or do not agree on the potential impact of this missense change (SIFT: "Deleterious"; PolyPhen-2: "Probably Damaging"; Align-GVGD: "Class C15"). This variant has not been reported in the literature in individuals with MAP3K14-related conditions. This variant is not present in population databases (ExAC no frequency). This sequence change replaces leucine with phenylalanine at codon 606 of the MAP3K14 protein (p.Leu606Phe). The leucine residue is highly conserved and there is a small physicochemical difference between leucine and phenylalanine.

NM_003954.5(MAP3K14):c.1816C>T (p.Leu606Phe)

Gene: MAP3K14 (mitogen-activated protein kinase kinase kinase 14; minus strand). Cytogenetic location: 17q21.31.
Variant type: single nucleotide variant.
Coding change: c.1816C>T on transcript NM_003954.5 (MANE Select); coding-DNA position 1816, C replaced by T.
Protein change: p.Leu606Phe; replaces leucine 606 with phenylalanine.
Molecular consequence: missense variant.
Genome position (GRCh38, 1-based): chr17:45,271,063, G>A on the plus strand (C>T on the coding strand, the complement: MAP3K14 is on the minus strand). VCF-style: chr17-45271063-G-A. GRCh37 (hg19) VCF-style: chr17-43348430-G-A.
Other names: short protein forms L606F.
Identifiers: ClinVar variation 955771 (VCV000955771.8), dbSNP rs2044139251, ClinGen allele CA399879295.
Genomic context (GRCh38, chr17:45,271,063, plus strand): 5'-GGGCCCCAGGGCCCTGCAGCTCCCCCTGTTGGCCATGCTGGGTGCCGTCACCGACCTTGA[G>A]GCAGAGCGGCCCTCGGAAGAACTGAGTCCAGGGGTGGCAGCCGTTGAGCATGTGCAGCAT-3'
Protein context (NP_003945.2, residues 596-616): WTQFFRGPLC[Leu606Phe]KIASEPPPVR